The following is an entry in ClinVar:

NM_001040108.2(MLH3):c.2406T>C (p.Asp802=)

Gene: MLH3 (mutL homolog 3; minus strand). Cytogenetic location: 14q24.3.
Variant type: single nucleotide variant.
Coding change: c.2406T>C on transcript NM_001040108.2 (MANE Select); coding-DNA position 2406, T replaced by C.
Protein change: p.Asp802=; no amino-acid change (aspartic acid 802 retained).
Molecular consequence: synonymous variant.
Genome position (GRCh38, 1-based): chr14:75,047,250, A>G on the plus strand (T>C on the coding strand, the complement: MLH3 is on the minus strand). VCF-style: chr14-75047250-A-G. GRCh37 (hg19) VCF-style: chr14-75513953-A-G.
Other names: c.2406T>C, p.Asp802= (NM_014381.3).
Identifiers: ClinVar variation 3396724 (VCV003396724.2).

ClinVar aggregate classification (germline): Benign/Likely benign. Review status: criteria provided, multiple submitters, no conflicts (2 of 4 stars). 2 submissions from 2 submitters: Benign (1); Likely benign (1). Last evaluated 2026-05-05.

Conditions:
Colorectal cancer, hereditary nonpolyposis, type 7. Identifiers: Orphanet 144, MedGen C1858380, MONDO:0013725, OMIM 614385.

Submissions (2):

Myriad Genetics, Inc.
Classification: Benign for Colorectal cancer, hereditary nonpolyposis, type 7. Last evaluated: 2026-05-05. Review status: criteria provided, single submitter. Criteria: Myriad Autosomal Dominant, Autosomal Recessive and X-Linked Classification Criteria (2023). Collection method: clinical testing. Allele origin: unknown.
Comment: This variant is considered benign. This variant is a silent/synonymous amino acid change and it is not expected to impact splicing.

Ambry Genetics
Classification: Likely benign. Last evaluated: 2024-09-18. Review status: criteria provided, single submitter. Criteria: Ambry Variant Classification Scheme 2023. Collection method: clinical testing. Allele origin: germline.